The following is an entry in ClinVar:

NM_000124.4(ERCC6):c.145del (p.Ser49fs)

Gene: ERCC6 (ERCC excision repair 6, chromatin remodeling factor; minus strand). Cytogenetic location: 10q11.23.
Variant type: Deletion.
Coding change: c.145del on transcript NM_000124.4 (MANE Select); coding-DNA position 145, one base deleted (T; older notation c.145delT).
Protein change: p.Ser49fs; shifts the reading frame from serine 49.
Molecular consequence: frameshift variant.
Genome position (GRCh38, 1-based): chr10:49,532,820, A deleted on the plus strand (T on the coding strand, the reverse complement: ERCC6 is on the minus strand); the first of 2 consecutive A bases (chr10:49,532,820-49,532,821); deleting either gives the same sequence. VCF-style (leftmost placement, unchanged base first): chr10-49532819-GA-G. GRCh37 (hg19) VCF-style: chr10-50740865-GA-G.
Other names: c.145del, p.Ser49fs (NM_001277058.2, NM_001277059.2, NM_001346440.2); short protein forms S49fs.
Identifiers: ClinVar variation 2889314 (VCV002889314.4), dbSNP rs1338061432, ClinGen allele CA666056112.

ClinVar aggregate classification (germline): Pathogenic. Review status: criteria provided, multiple submitters, no conflicts (2 of 4 stars). 2 submissions from 2 submitters: Pathogenic (2). Last evaluated 2025-06-10.

Conditions:
Cockayne spectrum with or without cerebrooculofacioskeletal syndrome. Identifiers: MedGen CN315928, MONDO:0100506.

Submissions (2):

Myriad Genetics, Inc.
Classification: Pathogenic for Cockayne spectrum with or without cerebrooculofacioskeletal syndrome. Last evaluated: 2025-06-10. Review status: criteria provided, single submitter. Criteria: Myriad Autosomal Dominant, Autosomal Recessive and X-Linked Classification Criteria (2023). Collection method: clinical testing. Allele origin: unknown.
Comment: NM_000124.2(ERCC6):c.145delT(S49Lfs*35) is a frameshift variant classified as pathogenic in the context of ERCC6-related disorders. S49Lfs*35 has not been observed in cases with relevant disease. Relevant functional assessments of this variant are not available in the literature. S49Lfs*35 has not been observed in referenced population frequency databases. In summary, NM_000124.2(ERCC6):c.145delT(S49Lfs*35) is a frameshift variant in a gene where loss of function is a known mechanism of disease and is predicted to disrupt protein function. Please note: this variant was assessed in the context of healthy population screening.

Labcorp Genetics (formerly Invitae), Labcorp
Classification: Pathogenic. Last evaluated: 2023-02-04. Review status: criteria provided, single submitter. Criteria: Invitae Variant Classification Sherloc (09022015). Collection method: clinical testing. Allele origin: germline.
Comment: For these reasons, this variant has been classified as Pathogenic. This variant has not been reported in the literature in individuals affected with ERCC6-related conditions. This variant is not present in population databases (gnomAD no frequency). This sequence change creates a premature translational stop signal (p.Ser49Leufs*35) in the ERCC6 gene. It is expected to result in an absent or disrupted protein product. Loss-of-function variants in ERCC6 are known to be pathogenic (PMID: 18628313, 29572252).

Literature cited by the submitters: PubMed 18628313 (cited by Labcorp Genetics (formerly Invitae), Labcorp); PubMed 29572252 (cited by Labcorp Genetics (formerly Invitae), Labcorp).